The following is an entry in ClinVar:

ClinVar aggregate classification (germline): Uncertain significance (1 of 4 stars; one submission).

Conditions:
Congenital myasthenic syndrome 12 (CMS12). Also called: Myasthenia, congenital, 12, with tubular aggregates; MYASTHENIC SYNDROME, CONGENITAL, WITH TUBULAR AGGREGATES 1. Identifiers: Orphanet 353327, Orphanet 590, MedGen C3552335, MONDO:0012518, OMIM 610542.

Submission:

Labcorp Genetics (formerly Invitae), Labcorp
Classification: Uncertain significance for Congenital myasthenic syndrome 12. Last evaluated: 2019-03-30. Review status: criteria provided, single submitter. Criteria: Invitae Variant Classification Sherloc (09022015). Collection method: clinical testing. Allele origin: germline.
Comment: In summary, the available evidence is currently insufficient to determine the role of this variant in disease. Therefore, it has been classified as a Variant of Uncertain Significance. Algorithms developed to predict the effect of missense changes on protein structure and function are either unavailable or do not agree on the potential impact of this missense change (SIFT: "Deleterious"; PolyPhen-2: "Probably Damaging"; Align-GVGD: "Class C0"). This variant has not been reported in the literature in individuals with GFPT1-related conditions. The frequency data for this variant in the population databases is considered unreliable, as metrics indicate insufficient coverage at this position in the ExAC database. This sequence change replaces cysteine with tryptophan at codon 2 of the GFPT1 protein (p.Cys2Trp). The cysteine residue is moderately conserved and there is a large physicochemical difference between cysteine and tryptophan.

NM_001244710.2(GFPT1):c.6T>G (p.Cys2Trp)

Gene: GFPT1 (glutamine--fructose-6-phosphate transaminase 1; minus strand). Cytogenetic location: 2p13.3.
Variant type: single nucleotide variant.
Coding change: c.6T>G on transcript NM_001244710.2 (MANE Select); coding-DNA position 6, T replaced by G.
Protein change: p.Cys2Trp; replaces cysteine 2 with tryptophan.
Molecular consequence: missense variant.
Genome position (GRCh38, 1-based): chr2:69,387,066, A>C on the plus strand (T>G on the coding strand, the complement: GFPT1 is on the minus strand). VCF-style: chr2-69387066-A-C. GRCh37 (hg19) VCF-style: chr2-69614198-A-C.
Other names: c.6T>G, p.Cys2Trp (NM_002056.4); short protein forms C2W.
Identifiers: ClinVar variation 855967 (VCV000855967.9), dbSNP rs1164347284, ClinGen allele CA347135894.